The following is an entry in ClinVar:

NM_000520.6(HEXA):c.664A>C (p.Met222Leu)

Gene: HEXA (hexosaminidase subunit alpha; minus strand). Cytogenetic location: 15q23.
Variant type: single nucleotide variant.
Coding change: c.664A>C on transcript NM_000520.6 (MANE Select); coding-DNA position 664, A replaced by C.
Protein change: p.Met222Leu; replaces methionine 222 with leucine.
Molecular consequence: missense variant. On other transcripts: non-coding transcript variant (1).
Genome position (GRCh38, 1-based): chr15:72,351,141, T>G on the plus strand (A>C on the coding strand, the complement: HEXA is on the minus strand). VCF-style: chr15-72351141-T-G. GRCh37 (hg19) VCF-style: chr15-72643482-T-G.
Other names: c.697A>C, p.Met233Leu (NM_001318825.2); short protein forms M222L, M233L.
Identifiers: ClinVar variation 1475647 (VCV001475647.5), dbSNP rs768751360, ClinGen allele CA7644936.
Genomic context (GRCh38, chr15:72,351,141, plus strand): 5'-CCAGATTCAGACATTGACCCATAAACTTGGTCTGAGTGAAACGGGAACATACCTTTCTCA[T>G]GAGCTCTGGAAAAGTGAAGCTCTCATATGGGAAGGAAGGATCATCTACCAGATGCCAGTG-3'
Protein context (NP_000511.2, residues 212-232): PYESFTFPEL[Met222Leu]RKGSYNPVTH

ClinVar aggregate classification (germline): Uncertain significance (1 of 4 stars; one submission).

Conditions:
Tay-Sachs disease (TSD). Also called: HEXA DEFICIENCY; GM2 gangliosidosis, type 1; Hexosaminidase alpha-subunit deficiency (variant B); Sphingolipidosis, Tay-Sachs; Hexosaminidase A Deficiency; HEXA Disorders. Identifiers: Orphanet 845, MedGen C0039373, MONDO:0010100, OMIM 272800.

Allele frequency attached by ClinVar (database versions not stated): TOPMed below 0.00001; gnomAD 0.00001.

Submission:

Labcorp Genetics (formerly Invitae), Labcorp
Classification: Uncertain significance for Tay-Sachs disease. Last evaluated: 2021-09-01. Review status: criteria provided, single submitter. Criteria: Invitae Variant Classification Sherloc (09022015). Collection method: clinical testing. Allele origin: germline.
Comment: This sequence change replaces methionine with leucine at codon 222 of the HEXA protein (p.Met222Leu). The methionine residue is weakly conserved and there is a small physicochemical difference between methionine and leucine. This variant is present in population databases (rs768751360, ExAC 0.001%). This variant has not been reported in the literature in individuals affected with HEXA-related conditions. Algorithms developed to predict the effect of missense changes on protein structure and function (SIFT, PolyPhen-2, Align-GVGD) all suggest that this variant is likely to be tolerated. In summary, the available evidence is currently insufficient to determine the role of this variant in disease. Therefore, it has been classified as a Variant of Uncertain Significance.